The following is an entry in ClinVar:

NM_153460.4(IL17RC):c.1478C>T (p.Ala493Val)

Gene: IL17RC (interleukin 17 receptor C; plus strand). Cytogenetic location: 3p25.3.
Variant type: single nucleotide variant.
Coding change: c.1478C>T on transcript NM_153460.4 (MANE Select); coding-DNA position 1478, C replaced by T.
Protein change: p.Ala493Val; replaces alanine 493 with valine.
Molecular consequence: missense variant. On other transcripts: non-coding transcript variant (1).
Genome position (GRCh38, 1-based): chr3:9,932,698, C>T. VCF-style: chr3-9932698-C-T. GRCh37 (hg19) VCF-style: chr3-9974382-C-T.
Other names: c.1478C>T, p.Ala493Val (NM_001203263.2); c.1427C>T, p.Ala476Val (NM_001203264.2); c.1382C>T, p.Ala461Val (NM_001203265.2, NM_001410711.1); c.1439C>T, p.Ala480Val (NM_001367278.1); c.1358C>T, p.Ala453Val (NM_001367279.1); c.1433C>T, p.Ala478Val (NM_001367280.1, NM_032732.6); c.1691C>T, p.Ala564Val (NM_153461.4); short protein forms A478V, A493V, A461V, A480V, A564V, A453V, A476V.
Identifiers: ClinVar variation 2816421 (VCV002816421.3), dbSNP rs779436552, ClinGen allele CA351703162.

ClinVar aggregate classification (germline): Uncertain significance (1 of 4 stars; one submission).

Conditions:
Candidiasis, familial, 9 (CANDF9). Identifiers: Orphanet 1334, MedGen C4225324, MONDO:0014642, OMIM 616445.

Submission:

Labcorp Genetics (formerly Invitae), Labcorp
Classification: Uncertain significance for Candidiasis, familial, 9. Last evaluated: 2024-04-07. Review status: criteria provided, single submitter. Criteria: Invitae Variant Classification Sherloc (09022015). Collection method: clinical testing. Allele origin: germline.
Comment: This sequence change replaces alanine, which is neutral and non-polar, with valine, which is neutral and non-polar, at codon 564 of the IL17RC protein (p.Ala564Val). This variant is not present in population databases (gnomAD no frequency). This variant has not been reported in the literature in individuals affected with IL17RC-related conditions. Algorithms developed to predict the effect of missense changes on protein structure and function output the following: SIFT: "Not Available"; PolyPhen-2: "Benign"; Align-GVGD: "Not Available". The valine amino acid residue is found in multiple mammalian species, which suggests that this missense change does not adversely affect protein function. In summary, the available evidence is currently insufficient to determine the role of this variant in disease. Therefore, it has been classified as a Variant of Uncertain Significance.